The following is an entry in ClinVar:

ClinVar aggregate classification (germline): Uncertain significance. Review status: criteria provided, multiple submitters, no conflicts (2 of 4 stars). 2 submissions from 2 submitters: Uncertain significance (2). Last evaluated 2024-07-01.

Conditions:
Renal cell carcinoma. Identifiers: Orphanet 217071, MedGen C0007134, MeSH D002292, MONDO:0005086, HP:0005584.
Hereditary cancer-predisposing syndrome. Also called: Tumor predisposition; Hereditary neoplastic syndrome; Neoplastic Syndromes, Hereditary; Hereditary Cancer Syndrome. Identifiers: Orphanet 140162, MedGen C0027672, MeSH D009386, MONDO:0015356.

Allele frequency attached by ClinVar (database versions not stated): TOPMed 0.00001.

Submissions (2):

Ambry Genetics
Classification: Uncertain significance for Hereditary cancer-predisposing syndrome. Last evaluated: 2024-07-01. Review status: criteria provided, single submitter. Criteria: Ambry Variant Classification Scheme 2023. Collection method: clinical testing. Allele origin: germline.
Comment: The p.P44S variant (also known as c.130C>T), located in coding exon 1 of the MET gene, results from a C to T substitution at nucleotide position 130. The proline at codon 44 is replaced by serine, an amino acid with similar properties. This amino acid position is highly conserved in available vertebrate species. In addition, this alteration is predicted to be tolerated by in silico analysis. Based on the available evidence, the clinical significance of this variant remains unclear.

Labcorp Genetics (formerly Invitae), Labcorp
Classification: Uncertain significance for Renal cell carcinoma. Last evaluated: 2021-08-24. Review status: criteria provided, single submitter. Criteria: Invitae Variant Classification Sherloc (09022015). Collection method: clinical testing. Allele origin: germline.
Comment: This sequence change replaces proline with serine at codon 44 of the MET protein (p.Pro44Ser). The proline residue is moderately conserved and there is a moderate physicochemical difference between proline and serine. This variant is not present in population databases (ExAC no frequency). This variant has not been reported in the literature in individuals affected with MET-related conditions. Algorithms developed to predict the effect of missense changes on protein structure and function are either unavailable or do not agree on the potential impact of this missense change (SIFT: "Deleterious"; PolyPhen-2: "Probably Damaging"; Align-GVGD: "Class C0"). In summary, the available evidence is currently insufficient to determine the role of this variant in disease. Therefore, it has been classified as a Variant of Uncertain Significance.

NM_000245.4(MET):c.130C>T (p.Pro44Ser)

Gene: MET (MET proto-oncogene, receptor tyrosine kinase; plus strand). Cytogenetic location: 7q31.2.
Variant type: single nucleotide variant.
Coding change: c.130C>T on transcript NM_000245.4 (MANE Select); coding-DNA position 130, C replaced by T.
Protein change: p.Pro44Ser; replaces proline 44 with serine.
Molecular consequence: missense variant. On other transcripts: intron variant (1).
Genome position (GRCh38, 1-based): chr7:116,699,214, C>T. VCF-style: chr7-116699214-C-T. GRCh37 (hg19) VCF-style: chr7-116339268-C-T.
Other names: c.130C>T, p.Pro44Ser (NM_001127500.3, NM_001324401.3); c.-91+26637C>T (NM_001324402.2); short protein forms P44S.
Identifiers: ClinVar variation 858401 (VCV000858401.5), dbSNP rs1474436542, ClinGen allele CA368968410.